The following is an entry in ClinVar:

NM_001354930.2(RIPK1):c.607G>T (p.Ala203Ser)

Gene: RIPK1 (receptor interacting serine/threonine kinase 1; plus strand). Cytogenetic location: 6p25.2.
Variant type: single nucleotide variant.
Coding change: c.607G>T on transcript NM_001354930.2 (MANE Select); coding-DNA position 607, G replaced by T.
Protein change: p.Ala203Ser; replaces alanine 203 with serine.
Molecular consequence: missense variant.
Genome position (GRCh38, 1-based): chr6:3,083,232, G>T. VCF-style: chr6-3083232-G-T. GRCh37 (hg19) VCF-style: chr6-3083466-G-T.
Other names: dbSNP:rs149432620; c.118G>T, p.Ala40Ser (NM_001354934.2, NM_001317061.3, NM_001354932.2 and 1 more transcripts); c.607G>T, p.Ala203Ser (NM_003804.6); c.607G>T (NM_003804.4, NM_003804.3); c.469G>T, p.Ala157Ser (NM_001354931.2); short protein forms A203S, A40S, A157S.
Identifiers: ClinVar variation 1409194 (VCV001409194.34), dbSNP rs149432620, ClinGen allele CA3618237.

ClinVar aggregate classification (germline): Conflicting classifications of pathogenicity. Review status: criteria provided, conflicting classifications (1 of 4 stars). 5 submissions from 5 submitters: Uncertain significance (4); Likely benign (1). Last evaluated 2026-01-14.

Conditions:
Immunodeficiency 57. Also called: IMMUNODEFICIENCY 57 WITH AUTOINFLAMMATION. Identifiers: MedGen C4748212, MONDO:0020849, OMIM 618108.
Autoinflammation with episodic fever and lymphadenopathy. Also called: CLEAVAGE-RESISTANT RIPK1-INDUCED AUTOINFLAMMATORY SYNDROME; CRIA SYNDROME. Identifiers: MedGen C5394286, MONDO:0030018, OMIM 618852.
Inborn genetic diseases. Identifiers: MedGen C0950123, MeSH D030342.

Allele frequency attached by ClinVar (database versions not stated): ESP Exome Variant Server 0.00038.
gnomAD v4.1: 531 of 1,613,836 alleles (0.033%); highest among the groups gnomAD compares: Non-Finnish European, 0.041%; no homozygotes.

Submissions (5):

Labcorp Genetics (formerly Invitae), Labcorp
Classification: Uncertain significance. Last evaluated: 2026-01-14. Review status: criteria provided, single submitter. Criteria: Invitae Variant Classification Sherloc (09022015). Collection method: clinical testing. Allele origin: germline.
Comment: This sequence change replaces alanine, which is neutral and non-polar, with serine, which is neutral and polar, at codon 203 of the RIPK1 protein (p.Ala203Ser). This variant is present in population databases (rs149432620, gnomAD 0.04%). This variant has not been reported in the literature in individuals affected with RIPK1-related conditions. ClinVar contains an entry for this variant (Variation ID: 1409194). An algorithm developed to predict the effect of missense changes on protein structure and function outputs the following: PolyPhen-2: "Benign". The serine amino acid residue is found in multiple mammalian species, which suggests that this missense change does not adversely affect protein function. In summary, the available evidence is currently insufficient to determine the role of this variant in disease. Therefore, it has been classified as a Variant of Uncertain Significance.

Blueprint Genetics
Classification: Uncertain significance. Last evaluated: 2024-10-21. Review status: criteria provided, single submitter. Criteria: ACMG Guidelines, 2015. Collection method: clinical testing. Allele origin: germline.

Ambry Genetics
Classification: Uncertain significance for Inborn genetic diseases. Last evaluated: 2024-07-30. Review status: criteria provided, single submitter. Criteria: Ambry Variant Classification Scheme 2023. Collection method: clinical testing. Allele origin: germline.

CeGaT Center for Human Genetics Tuebingen
Classification: Likely benign. Last evaluated: 2023-06-01. Review status: criteria provided, single submitter. Criteria: CeGaT Center For Human Genetics Tuebingen Variant Classification Criteria Version 2. Collection method: clinical testing. Allele origin: germline. Affected: yes. Observed: 1 variant allele.
Comment: RIPK1: BP4

Breda Genetics srl
Classification: Uncertain significance for Autoinflammation with episodic fever and lymphadenopathy. Last evaluated: 2022-08-17. Review status: criteria provided, single submitter. Criteria: ACMG Guidelines, 2015. Collection method: clinical testing. Allele origin: germline. Inheritance: Autosomal dominant inheritance. Affected: yes. Observed: 1 variant allele, 1 heterozygote.
Comment: Based on allele frequency, in-silico prediction scores and a certain overlap with the clinical phenotype, we interpreted this variant at least as of uncertain significance. The lack of one or more of the following features has discouraged further investigations: lack of a possible second hit in autosomal recessive conditions, presence of healthy controls in databases for autosomal dominant conditions, presence of unmatching cardinal clinical features in the patient or in the known gene-disease association, and/or variant type outside the known gene mutational spectrum.